The following is an entry in ClinVar:

ClinVar aggregate classification (germline): Uncertain significance (1 of 4 stars; one submission).

Submission:

Labcorp Genetics (formerly Invitae), Labcorp
Classification: Uncertain significance. Last evaluated: 2022-09-27. Review status: criteria provided, single submitter. Criteria: Invitae Variant Classification Sherloc (09022015). Collection method: clinical testing. Allele origin: germline.
Comment: This variant is not present in population databases (gnomAD no frequency). In summary, the available evidence is currently insufficient to determine the role of this variant in disease. Therefore, it has been classified as a Variant of Uncertain Significance. Advanced modeling of protein sequence and biophysical properties (such as structural, functional, and spatial information, amino acid conservation, physicochemical variation, residue mobility, and thermodynamic stability) has been performed at Invitae for this missense variant, however the output from this modeling did not meet the statistical confidence thresholds required to predict the impact of this variant on CEP63 protein function. This variant has not been reported in the literature in individuals affected with CEP63-related conditions. This sequence change replaces leucine, which is neutral and non-polar, with arginine, which is basic and polar, at codon 688 of the CEP63 protein (p.Leu688Arg).

NM_001353108.3(CEP63):c.2063T>G (p.Leu688Arg)

Gene: CEP63 (centrosomal protein 63; plus strand). Cytogenetic location: 3q22.2.
Variant type: single nucleotide variant.
Coding change: c.2063T>G on transcript NM_001353108.3 (MANE Select); coding-DNA position 2063, T replaced by G.
Protein change: p.Leu688Arg; replaces leucine 688 with arginine.
Molecular consequence: missense variant. On other transcripts: non-coding transcript variant (4), intron variant (5).
Genome position (GRCh38, 1-based): chr3:134,561,486, T>G. VCF-style: chr3-134561486-T-G. GRCh37 (hg19) VCF-style: chr3-134280328-T-G.
Other names: c.1439T>G, p.Leu480Arg (NM_001042383.2, NM_001353119.2, NM_001353120.2 and 2 more transcripts); c.1577T>G, p.Leu526Arg (NM_001042400.3, NM_001353110.1, NM_001353111.2 and 1 more transcripts); c.1925T>G, p.Leu642Arg (NM_001353109.1); c.1466T>G, p.Leu489Arg (NM_001353118.1); c.1355T>G, p.Leu452Arg (NM_001353125.2); c.1076T>G, p.Leu359Arg (NM_001353126.2); c.2063T>G, p.Leu688Arg (NM_025180.5); c.1467+9474T>G (NM_001353113.1, NM_001353117.2); and 1 more; short protein forms L642R, L359R, L452R, L489R, L526R, L480R, L688R.
Identifiers: ClinVar variation 2011471 (VCV002011471.4), dbSNP rs2547210009, ClinGen allele CA354634844.